The following is an entry in ClinVar:

NM_001382391.1(CSPP1):c.3221-19C>T

Genes: ARFGEF1 (ARF guanine nucleotide exchange factor 1; minus strand), CSPP1 (centrosome and spindle pole associated protein 1; plus strand). Cytogenetic location: 8q13.2.
Variant type: single nucleotide variant.
Coding change: c.3221-19C>T on transcript NM_001382391.1 (MANE Select); 19 bases into the intron before coding-DNA position 3221, C replaced by T.
Molecular consequence: intron variant.
Genome position (GRCh38, 1-based): chr8:67,190,631, C>T. VCF-style: chr8-67190631-C-T. GRCh37 (hg19) VCF-style: chr8-68102866-C-T.
Other names: c.3026-19C>T (NM_001363132.2); c.3140-19C>T (NM_001363131.2); c.2945-19C>T (NM_001363133.2); c.3287-19C>T (NM_001364869.1); c.3206-19C>T (NM_024790.7, NM_001438331.1); c.3053-19C>T (NM_001438330.1); c.3107-19C>T (NM_001364870.1); c.2522-19C>T (NM_001438332.1); and 3 more.
Identifiers: ClinVar variation 511950 (VCV000511950.5), dbSNP rs750846829, ClinGen allele CA4771103.

ClinVar aggregate classification (germline): Likely benign. Review status: criteria provided, multiple submitters, no conflicts (2 of 4 stars). 3 submissions from 3 submitters: Likely benign (3). Last evaluated 2024-11-11.

Conditions:
Joubert syndrome 21 (JBTS21). Identifiers: MedGen C3810212, MONDO:0014288, OMIM 615636.

Allele frequency attached by ClinVar (database versions not stated): gnomAD exomes 0.00001 and 0.00003; TOPMed 0.00001; ExAC 0.00002; gnomAD 0.00002.
gnomAD v4.1: 39 of 1,585,656 alleles (0.0025%); highest among the groups gnomAD compares: Non-Finnish European, 0.0032%; no homozygotes.

Submissions (3):

Blueprint Genetics
Classification: Likely benign. Last evaluated: 2024-11-11. Review status: criteria provided, single submitter. Criteria: ACMG Guidelines, 2015. Collection method: clinical testing. Allele origin: germline.

Labcorp Genetics (formerly Invitae), Labcorp
Classification: Likely benign for Joubert syndrome 21. Last evaluated: 2023-08-22. Review status: criteria provided, single submitter. Criteria: Invitae Variant Classification Sherloc (09022015). Collection method: clinical testing. Allele origin: germline.

GeneDx
Classification: Likely benign. Last evaluated: 2017-09-11. Review status: criteria provided, single submitter. Criteria: GeneDx Variant Classification (06012015). Collection method: clinical testing. Allele origin: germline. Affected: yes.
Comment: This variant is considered likely benign or benign based on one or more of the following criteria: it is a conservative change, it occurs at a poorly conserved position in the protein, it is predicted to be benign by multiple in silico algorithms, and/or has population frequency not consistent with disease.